The following is an entry in ClinVar:

NM_144573.4(NEXN):c.277G>C (p.Ala93Pro)

Genes: NEXN (nexilin F-actin binding protein; plus strand), LOC126805765 (BRD4-independent group 4 enhancer GRCh37_chr1:78383688-78384887; plus strand). Cytogenetic location: 1p31.1.
Variant type: single nucleotide variant.
Coding change: c.277G>C on transcript NM_144573.4 (MANE Select); coding-DNA position 277, G replaced by C.
Protein change: p.Ala93Pro; replaces alanine 93 with proline.
Molecular consequence: missense variant.
Genome position (GRCh38, 1-based): chr1:77,918,017, G>C. VCF-style: chr1-77918017-G-C. GRCh37 (hg19) VCF-style: chr1-78383702-G-C.
Other names: c.85G>C, p.Ala29Pro (NM_001172309.2); short protein forms A93P, A29P.
Identifiers: ClinVar variation 470682 (VCV000470682.9), dbSNP rs1256690084, ClinGen allele CA340886354.

ClinVar aggregate classification (germline): Uncertain significance (1 of 4 stars; one submission).

Conditions:
Dilated cardiomyopathy 1CC (CMD1CC). Identifiers: Orphanet 154, MedGen C2751084, MONDO:0013147, OMIM 613122.
Hypertrophic cardiomyopathy 20. Identifiers: MedGen C3151267, MONDO:0013477, OMIM 613876.

gnomAD v4.1: 1 of 1,613,596 alleles (0.000062%); highest among the groups gnomAD compares: Non-Finnish European, 0.000085%; no homozygotes.

Submission:

Labcorp Genetics (formerly Invitae), Labcorp
Classification: Uncertain significance for Dilated cardiomyopathy 1CC; Hypertrophic cardiomyopathy 20. Last evaluated: 2017-04-20. Review status: criteria provided, single submitter. Criteria: Invitae Variant Classification Sherloc (09022015). Collection method: clinical testing. Allele origin: germline.
Comment: In summary, this variant is a novel missense change with uncertain impact on protein function. It has been classified as a Variant of Uncertain Significance. Algorithms developed to predict the effect of missense changes on protein structure and function do not agree on the potential impact of this missense change (SIFT: "Deleterious"; PolyPhen-2: "Possibly Damaging"; Align-GVGD: "Class C0"). This variant is not present in population databases (ExAC no frequency) and has not been reported in the literature in individuals with a NEXN-related disease. This sequence change replaces alanine with proline at codon 93 of the NEXN protein (p.Ala93Pro). The alanine residue is moderately conserved and there is a small physicochemical difference between alanine and proline.